The following is an entry in ClinVar:

NM_194277.3(FRMD7):c.1073_1075del (p.Tyr358_Gly359delinsCys)

Gene: FRMD7 (FERM domain containing 7; minus strand). Cytogenetic location: Xq26.2.
Variant type: Deletion.
Coding change: c.1073_1075del on transcript NM_194277.3 (MANE Select); coding-DNA positions 1073 to 1075, 3 bases deleted (ATG; older notation c.1073_1075delATG).
Protein change: p.Tyr358_Gly359delinsCys.
Molecular consequence: inframe indel.
Genome position (GRCh38, 1-based): chrX:132,078,942-132,078,944, CAT deleted on the plus strand (ATG on the coding strand, the reverse complement: FRMD7 is on the minus strand). VCF-style (leftmost placement, unchanged base first): chrX-132078941-CCAT-C. GRCh37 (hg19) VCF-style: chrX-131212969-CCAT-C.
Other names: c.1028_1030del, p.Tyr343_Gly344delinsCys (NM_001306193.2).
Identifiers: ClinVar variation 1463026 (VCV001463026.8), dbSNP rs1927718054, ClinGen allele CA2458953532.

ClinVar aggregate classification (germline): Uncertain significance (1 of 4 stars; one submission).

Allele frequency attached by ClinVar (database versions not stated): TOPMed below 0.00001.

Submission:

Labcorp Genetics (formerly Invitae), Labcorp
Classification: Uncertain significance. Last evaluated: 2022-06-13. Review status: criteria provided, single submitter. Criteria: Invitae Variant Classification Sherloc (09022015). Collection method: clinical testing. Allele origin: germline.
Comment: In summary, the available evidence is currently insufficient to determine the role of this variant in disease. Therefore, it has been classified as a Variant of Uncertain Significance. This variant has not been reported in the literature in individuals affected with FRMD7-related conditions. This variant is not present in population databases (gnomAD no frequency). This variant, c.1073_1075del, is a complex sequence change that results in the deletion of 2 and insertion of 1 amino acid(s) in the FRMD7 protein (p.Tyr358_Gly359delinsCys).